The following is an entry in ClinVar:

NM_033004.4(NLRP1):c.900G>T (p.Trp300Cys)

Gene: NLRP1 (NLR family pyrin domain containing 1; minus strand). Cytogenetic location: 17p13.2.
Variant type: single nucleotide variant.
Coding change: c.900G>T on transcript NM_033004.4 (MANE Select); coding-DNA position 900, G replaced by T.
Protein change: p.Trp300Cys; replaces tryptophan 300 with cysteine.
Molecular consequence: missense variant.
Genome position (GRCh38, 1-based): chr17:5,559,796, C>A on the plus strand (G>T on the coding strand, the complement: NLRP1 is on the minus strand). VCF-style: chr17-5559796-C-A. GRCh37 (hg19) VCF-style: chr17-5463116-C-A.
Other names: c.900G>T, p.Trp300Cys (NM_001033053.3, NM_014922.5, NM_033006.4 and 1 more transcripts); short protein forms W300C.
Identifiers: ClinVar variation 2835496 (VCV002835496.3), dbSNP rs199601420, ClinGen allele CA397387682.
Genomic context (GRCh38, chr17:5,559,796, plus strand): 5'-TGGGCCAAATAAGTCTCTGATCTCAATTAAATGTCCTCGATTCTCCTCCACATAATCAGG[C>A]CAGCTTCTCTTGACCAGGGGATCTTGGCTTCTGGGGTGAGGTCTTTGTAGAAGTAGCAGC-3'
Protein context (NP_127497.1, residues 290-310): RSQDPLVKRS[Trp300Cys]PDYVEENRGH

ClinVar aggregate classification (germline): Uncertain significance (1 of 4 stars; one submission).

Submission:

Labcorp Genetics (formerly Invitae), Labcorp
Classification: Uncertain significance. Last evaluated: 2023-03-08. Review status: criteria provided, single submitter. Criteria: Invitae Variant Classification Sherloc (09022015). Collection method: clinical testing. Allele origin: germline.
Comment: In summary, the available evidence is currently insufficient to determine the role of this variant in disease. Therefore, it has been classified as a Variant of Uncertain Significance. Algorithms developed to predict the effect of missense changes on protein structure and function output the following: SIFT: "Not Available"; PolyPhen-2: "Benign"; Align-GVGD: "Not Available". The cysteine amino acid residue is found in multiple mammalian species, which suggests that this missense change does not adversely affect protein function. This variant has not been reported in the literature in individuals affected with NLRP1-related conditions. This variant is not present in population databases (gnomAD no frequency). This sequence change replaces tryptophan, which is neutral and slightly polar, with cysteine, which is neutral and slightly polar, at codon 300 of the NLRP1 protein (p.Trp300Cys).